The following is an entry in ClinVar:

NM_002755.4(MAP2K1):c.1068+9A>G

Genes: MAP2K1 (mitogen-activated protein kinase kinase 1; plus strand), SNAPC5 (small nuclear RNA activating complex polypeptide 5; minus strand). Cytogenetic location: 15q22.31.
Variant type: single nucleotide variant.
Coding change: c.1068+9A>G on transcript NM_002755.4 (MANE Select); 9 bases into the intron after coding-DNA position 1068, A replaced by G.
Molecular consequence: intron variant. On other transcripts: 3 prime UTR variant (1), non-coding transcript variant (1).
Genome position (GRCh38, 1-based): chr15:66,489,772, A>G. VCF-style: chr15-66489772-A-G. GRCh37 (hg19) VCF-style: chr15-66782110-A-G.
Other names: c.*967T>C (NM_006049.4); c.924+9A>G (NM_001411065.1).
Identifiers: ClinVar variation 180895 (VCV000180895.19), dbSNP rs368800650, ClinGen allele CA296098.

ClinVar aggregate classification (germline): Likely benign. Review status: reviewed by expert panel (3 of 4 stars). 6 submissions from 6 submitters: Likely benign (1). 5 of the submissions do not count toward it. Last evaluated 2019-09-24.

Conditions:
MAP2K1-related disorder. Also called: MAP2K1-related disorders; MAP2K1-related condition.
RASopathy. Also called: rasopathies; Noonan spectrum disorder. Identifiers: Orphanet 536391, MedGen C5555857, MONDO:0021060.

Allele frequency attached by ClinVar (database versions not stated): TOPMed 0.00026; gnomAD exomes 0.00031 and 0.00021; ExAC 0.00019; gnomAD 0.00024; ESP Exome Variant Server 0.00031.
gnomAD v4.1: 362 of 1,601,320 alleles (0.023%); highest among the groups gnomAD compares: Admixed American, 0.027%; 1 homozygote.

Submissions (6):

ClinGen RASopathy Variant Curation Expert Panel
Classification: Likely benign for RASopathy. Last evaluated: 2019-09-24. Review status: reviewed by expert panel. Criteria: ClinGen RASopathy ACMG Specifications v1. Collection method: curation. Allele origin: germline. Inheritance: Autosomal dominant inheritance.
Comment: The c.1068+9A>G intronic variant in the MAP2K1 gene is classified as likely benign because it does not alter an amino acid residue, is not located within the canonical splice site, and computational splice prediction tools do not predict an impact on splicing (BP4, BP7). It has been identified in 0.01123% (lower bound of the 95% CI of 8/35440) of Latino chromosomes in gnomAD (BS1 not met). This variant has been observed in several individuals with varying clinical presentations that lack clear associations with a RASopathy. In summary, this variant meets criteria to be classified as likely benign. ACMG/AMP criteria applied: BP4, BP7.

Labcorp Genetics (formerly Invitae), Labcorp
Classification: Likely benign for RASopathy. Last evaluated: 2026-02-03. Review status: criteria provided, single submitter. Criteria: Invitae Variant Classification Sherloc (09022015). Collection method: clinical testing. Allele origin: germline. Not counted in ClinVar's aggregate classification.

Blueprint Genetics
Classification: Likely benign. Last evaluated: 2024-10-28. Review status: criteria provided, single submitter. Criteria: ACMG Guidelines, 2015. Collection method: clinical testing. Allele origin: germline. Not counted in ClinVar's aggregate classification.

GeneDx
Classification: Benign. Last evaluated: 2019-08-08. Review status: criteria provided, single submitter. Criteria: GeneDx Variant Classification Process June 2021. Collection method: clinical testing. Allele origin: germline. Affected: yes. Not counted in ClinVar's aggregate classification.

Women's Health and Genetics/Laboratory Corporation of America, LabCorp
Classification: Benign. Last evaluated: 2019-05-27. Review status: criteria provided, single submitter. Criteria: LabCorp Variant Classification Summary - May 2015. Collection method: clinical testing. Allele origin: germline. Not counted in ClinVar's aggregate classification.
Comment: Variant summary: MAP2K1 c.1068+9A>G alters a non-conserved nucleotide located close to a canonical splice site and therefore could affect mRNA splicing, leading to a significantly altered protein sequence. 5/5 computational tools predict no significant impact on normal splicing. However, these predictions have yet to be confirmed by functional studies. The variant allele was found at a frequency of 0.00031 in 251454 control chromosomes (gnomAD). The observed variant frequency is approximately 124 fold of the estimated maximal expected allele frequency for a pathogenic variant in MAP2K1 causing Noonan Syndrome and Related Conditions phenotype (2.5e-06), strongly suggesting that the variant is benign. To our knowledge, no occurrence of c.1068+9A>G in individuals affected with Noonan Syndrome and Related Conditions and no experimental evidence demonstrating its impact on protein function have been reported. Two ClinVar submissions from clinical diagnostic laboratories (evaluation after 2014) cite the variant once as uncertain significance and once as likely benign. Based on the evidence outlined above, the variant was classified as benign.

PreventionGenetics, part of Exact Sciences
Classification: Benign for MAP2K1-related condition. Last evaluated: 2020-08-17. Review status: no assertion criteria provided. Collection method: clinical testing. Allele origin: germline. Not counted in ClinVar's aggregate classification.
Comment: This variant is classified as benign based on ACMG/AMP sequence variant interpretation guidelines (Richards et al. 2015 PMID: 25741868, with internal and published modifications).